The following is an entry in ClinVar:

ClinVar aggregate classification (germline): Pathogenic. Review status: criteria provided, multiple submitters, no conflicts (2 of 4 stars). 3 submissions from 3 submitters: Pathogenic (3). Last evaluated 2025-02-25.

Conditions:
Hereditary factor IX deficiency disease (HEMB). Also called: Hemophilia B; Christmas Disease; F9 DEFICIENCY; FACTOR IX DEFICIENCY; PLASMA THROMBOPLASTIN COMPONENT DEFICIENCY. Identifiers: Orphanet 98879, MedGen C0008533, MeSH D002836, MONDO:0010604, OMIM 306900.
Thrombophilia, X-linked, due to factor 9 defect. Identifiers: MedGen C2749016, MONDO:0010432, OMIM 300807.

Submissions (3):

Women's Health and Genetics/Laboratory Corporation of America, LabCorp
Classification: Pathogenic for Hereditary factor IX deficiency disease. Last evaluated: 2025-02-25. Review status: criteria provided, single submitter. Criteria: LabCorp Variant Classification Summary - May 2015. Collection method: clinical testing. Allele origin: germline.
Comment: Variant summary: F9 c.344A>G (p.Tyr115Cys) results in a non-conservative amino acid change in the encoded protein sequence. Five of five in-silico tools predict a damaging effect of the variant on protein function. The variant was absent in 183045 control chromosomes (gnomAD). c.344A>G has been reported in the literature in multiple individuals affected with Factor IX Deficiency (Hemophilia B) (Hamasaki-Katagiri_2012, Munkhuu_2024). These data indicate that the variant is very likely to be associated with disease. To our knowledge, no experimental evidence demonstrating an impact on protein function has been reported. The following publications have been ascertained in the context of this evaluation (PMID: 22639855, 39268837). ClinVar contains an entry for this variant (Variation ID: 810872). Based on the evidence outlined above, the variant was classified as pathogenic.

Labcorp Genetics (formerly Invitae), Labcorp
Classification: Pathogenic for Thrombophilia, X-linked, due to factor 9 defect; Hereditary factor IX deficiency disease. Last evaluated: 2023-05-01. Review status: criteria provided, single submitter. Criteria: Invitae Variant Classification Sherloc (09022015). Collection method: clinical testing. Allele origin: germline.
Comment: This sequence change replaces tyrosine, which is neutral and polar, with cysteine, which is neutral and slightly polar, at codon 115 of the F9 protein (p.Tyr115Cys). This variant is not present in population databases (gnomAD no frequency). This missense change has been observed in individuals with hemophilia B (PMID: 7937052, 19699296, 22544209, 22639855, 23093250, 29993188). This variant is also known as p.Tyr69Cys. ClinVar contains an entry for this variant (Variation ID: 810872). Advanced modeling of protein sequence and biophysical properties (such as structural, functional, and spatial information, amino acid conservation, physicochemical variation, residue mobility, and thermodynamic stability) performed at Invitae indicates that this missense variant is expected to disrupt F9 protein function. Experimental studies have shown that this missense change affects F9 function (PMID: 29993188). For these reasons, this variant has been classified as Pathogenic.

ARUP Laboratories, Molecular Genetics and Genomics, ARUP Laboratories
Classification: Pathogenic. Last evaluated: 2019-03-05. Review status: criteria provided, single submitter. Criteria: ARUP Molecular Germline Variant Investigation Process. Collection method: clinical testing. Allele origin: germline.
Comment: The F9 c.344A>G; p.Tyr115Cys variant, also reported as Tyr69Cys, has been described in multiple individuals affected with severe hemophilia B (see link to F9 database and references therein, Hamasaki-Katagiri 2012). It is absent from general population databases (Exome Variant Server and Genome Aggregation Database), indicating it is not a common polymorphism. The tyrosine at codon 115 is highly conserved, and computational algorithms (PolyPhen-2, SIFT) predict that this variant is deleterious. Based on available information, this variant is considered pathogenic. REFERENCES F9 database: Hamasaki-Katagiri N et al. Analysis of F9 point mutations and their correlation to severity of haemophilia B disease. Haemophilia. 2012 Nov;18(6):933-40.

Literature cited by the submitters: PubMed 22639855 (cited by Women's Health and Genetics/Laboratory Corporation of America, LabCorp and Labcorp Genetics (formerly Invitae), Labcorp); PubMed 39268837 (cited by Women's Health and Genetics/Laboratory Corporation of America, LabCorp); PubMed 7937052 (cited by Labcorp Genetics (formerly Invitae), Labcorp); PubMed 19699296 (cited by Labcorp Genetics (formerly Invitae), Labcorp); PubMed 22544209 (cited by Labcorp Genetics (formerly Invitae), Labcorp); PubMed 23093250 (cited by Labcorp Genetics (formerly Invitae), Labcorp); PubMed 29993188 (cited by Labcorp Genetics (formerly Invitae), Labcorp).

NM_000133.4(F9):c.344A>G (p.Tyr115Cys)

Gene: F9 (coagulation factor IX; plus strand). Cytogenetic location: Xq27.1.
Variant type: single nucleotide variant.
Coding change: c.344A>G on transcript NM_000133.4 (MANE Select); coding-DNA position 344, A replaced by G.
Protein change: p.Tyr115Cys; replaces tyrosine 115 with cysteine.
Molecular consequence: missense variant. On other transcripts: intron variant (1).
Genome position (GRCh38, 1-based): chrX:139,541,142, A>G. VCF-style: chrX-139541142-A-G. GRCh37 (hg19) VCF-style: chrX-138623301-A-G.
Other names: c.277+3756A>G (NM_001313913.2); short protein forms Y115C.
Identifiers: ClinVar variation 810872 (VCV000810872.14), dbSNP rs1603264727, ClinGen allele CA414437636.
Genomic context (GRCh38, chrX:139,541,142, plus strand): 5'-ATCAGTGTGAGTCCAATCCATGTTTAAATGGCGGCAGTTGCAAGGATGACATTAATTCCT[A>G]TGAATGTTGGTGTCCCTTTGGATTTGAAGGAAAGAACTGTGAATTAGGTAAGTAACTATT-3'
Protein context (NP_000124.1, residues 105-125): GGSCKDDINS[Tyr115Cys]ECWCPFGFEG